The following is an entry in ClinVar:

NM_007194.4(CHEK2):c.1268G>A (p.Gly423Glu)

Gene: CHEK2 (checkpoint kinase 2; minus strand). Cytogenetic location: 22q12.1.
Variant type: single nucleotide variant.
Coding change: c.1268G>A on transcript NM_007194.4 (MANE Select); coding-DNA position 1268, G replaced by A.
Protein change: p.Gly423Glu; replaces glycine 423 with glutamic acid.
Molecular consequence: missense variant.
Genome position (GRCh38, 1-based): chr22:28,695,234, C>T on the plus strand (G>A on the coding strand, the complement: CHEK2 is on the minus strand). VCF-style: chr22-28695234-C-T. GRCh37 (hg19) VCF-style: chr22-29091222-C-T.
Other names: c.1397G>A, p.Gly466Glu (NM_001005735.3); c.605G>A, p.Gly202Glu (NM_001257387.3); c.1067G>A, p.Gly356Glu (NM_001349956.3); c.1181G>A, p.Gly394Glu (NM_145862.3); short protein forms G423E, G394E, G466E, G202E, G356E.
Identifiers: ClinVar variation 418554 (VCV000418554.15), dbSNP rs1064793300, ClinGen allele CA16621050.

ClinVar aggregate classification (germline): Uncertain significance. Review status: criteria provided, multiple submitters, no conflicts (2 of 4 stars). 3 submissions from 3 submitters: Uncertain significance (3). Last evaluated 2024-02-12.

Conditions:
Familial cancer of breast. Also called: Hereditary breast cancer; BREAST CANCER, FAMILIAL; hereditary breast carcinoma. Identifiers: Orphanet 227535, MedGen C0346153, MONDO:0016419, OMIM 114480. Disease mechanism: loss of function.
Hereditary cancer-predisposing syndrome. Also called: Hereditary neoplastic syndrome; Tumor predisposition; Neoplastic Syndromes, Hereditary; Hereditary Cancer Syndrome. Identifiers: Orphanet 140162, MedGen C0027672, MeSH D009386, MONDO:0015356.

Submissions (3):

Labcorp Genetics (formerly Invitae), Labcorp
Classification: Uncertain significance for Familial cancer of breast. Last evaluated: 2024-02-12. Review status: criteria provided, single submitter. Criteria: Invitae Variant Classification Sherloc (09022015). Collection method: clinical testing. Allele origin: germline.
Comment: This sequence change replaces glycine, which is neutral and non-polar, with glutamic acid, which is acidic and polar, at codon 423 of the CHEK2 protein (p.Gly423Glu). This variant is not present in population databases (gnomAD no frequency). This variant has not been reported in the literature in individuals affected with CHEK2-related conditions. ClinVar contains an entry for this variant (Variation ID: 418554). An algorithm developed to predict the effect of missense changes on protein structure and function (PolyPhen-2) suggests that this variant is likely to be disruptive. In summary, the available evidence is currently insufficient to determine the role of this variant in disease. Therefore, it has been classified as a Variant of Uncertain Significance.

Ambry Genetics
Classification: Uncertain significance for Hereditary cancer-predisposing syndrome. Last evaluated: 2024-01-31. Review status: criteria provided, single submitter. Criteria: Ambry Variant Classification Scheme 2023. Collection method: clinical testing. Allele origin: germline.
Comment: The p.G423E variant (also known as c.1268G>A), located in coding exon 11 of the CHEK2 gene, results from a G to A substitution at nucleotide position 1268. The glycine at codon 423 is replaced by glutamic acid, an amino acid with similar properties. This amino acid position is highly conserved in available vertebrate species. In addition, this alteration is predicted to be deleterious by in silico analysis. Since supporting evidence is limited at this time, the clinical significance of this alteration remains unclear.

GeneDx
Classification: Uncertain significance. Last evaluated: 2023-07-12. Review status: criteria provided, single submitter. Criteria: GeneDx Variant Classification Process June 2021. Collection method: clinical testing. Allele origin: germline. Affected: yes.
Comment: Not observed at significant frequency in large population cohorts (gnomAD); In silico analysis supports that this missense variant has a deleterious effect on protein structure/function; Has not been previously published as pathogenic or benign to our knowledge; This variant is associated with the following publications: (PMID: 19782031, 22419737)